The following is an entry in ClinVar:

NM_001161352.2(KCNMA1):c.1987A>G (p.Ile663Val)

Gene: KCNMA1 (potassium calcium-activated channel subfamily M alpha 1; minus strand). Cytogenetic location: 10q22.3.
Variant type: single nucleotide variant.
Coding change: c.1987A>G on transcript NM_001161352.2 (MANE Select); coding-DNA position 1987, A replaced by G.
Protein change: p.Ile663Val; replaces isoleucine 663 with valine.
Molecular consequence: missense variant.
Genome position (GRCh38, 1-based): chr10:77,019,041, T>C on the plus strand (A>G on the coding strand, the complement: KCNMA1 is on the minus strand). VCF-style: chr10-77019041-T-C. GRCh37 (hg19) VCF-style: chr10-78778799-T-C.
Other names: c.1999A>G, p.Ile667Val (NM_001014797.3, NM_001322830.2, NM_001322835.2 and 1 more transcripts); c.1987A>G, p.Ile663Val (NM_001161353.2, NM_001271519.2, NM_001322829.2 and 3 more transcripts); c.1837A>G, p.Ile613Val (NM_001271518.2); c.1447A>G, p.Ile483Val (NM_001322838.2); short protein forms I483V, I613V, I663V, I667V.
Identifiers: ClinVar variation 916048 (VCV000916048.33), dbSNP rs2092522027, ClinGen allele CA377408161.

ClinVar aggregate classification (germline): Conflicting classifications of pathogenicity. Review status: criteria provided, conflicting classifications (1 of 4 stars). 3 submissions from 3 submitters: Likely pathogenic (1); Uncertain significance (1). 1 of the submissions does not count toward it. Last evaluated 2022-05-01.

Conditions:
Liang-Wang syndrome. Identifiers: Orphanet 664438, MedGen C5231479, MONDO:0032886, OMIM 618729.

Submissions (3):

CeGaT Center for Human Genetics Tuebingen
Classification: Likely pathogenic. Last evaluated: 2022-05-01. Review status: criteria provided, single submitter. Criteria: CeGaT Center For Human Genetics Tuebingen Variant Classification Criteria Version 2. Collection method: clinical testing. Allele origin: germline. Affected: yes. Observed: 1 variant allele.
Comment: KCNMA1: PM2, PP2, PP3, PS3:Supporting, PS4:Supporting

Laboratory of Molecular Genetics (Pr. Bezieau's lab), CHU de Nantes
Classification: Uncertain significance. Last evaluated: 2018-10-10. Review status: criteria provided, single submitter. Criteria: ACMG Guidelines, 2015. Collection method: clinical testing. Allele origin: germline. Affected: yes.

OMIM
Classification: Pathogenic for LIANG-WANG SYNDROME. Last evaluated: 2020-01-10. Review status: no assertion criteria provided. Collection method: literature only. Allele origin: germline. Not counted in ClinVar's aggregate classification.

Literature cited by the submitters: PubMed 31152168 (cited by OMIM).